The following is an entry in ClinVar:

NM_014908.4(DOLK):c.1278C>T (p.Cys426=)

Gene: DOLK (dolichol kinase; minus strand). Cytogenetic location: 9q34.11.
Variant type: single nucleotide variant.
Coding change: c.1278C>T on transcript NM_014908.4 (MANE Select); coding-DNA position 1278, C replaced by T.
Protein change: p.Cys426=; no amino-acid change (cysteine 426 retained).
Molecular consequence: synonymous variant.
Genome position (GRCh38, 1-based): chr9:128,946,026, G>A on the plus strand (C>T on the coding strand, the complement: DOLK is on the minus strand). VCF-style: chr9-128946026-G-A. GRCh37 (hg19) VCF-style: chr9-131708305-G-A.
Identifiers: ClinVar variation 2911444 (VCV002911444.3), dbSNP rs1382250464, ClinGen allele CA467490436.
Genomic context (GRCh38, chr9:128,946,026, plus strand): 5'-AGCCAGGACACCGGCATAGGGGACGAGGGCCCTGGCTCCTCCCAGGCTACCCTTCTGTGT[G>A]CAGGGTCTGGGGATCAGCCAGATGGGAAGAGACATGCCCAGGAGCAGGTAGATGTGTGTC-3'
Protein context (NP_055723.1, residues 416-436): SLPIWLIPRP[Cys426=]TQKGSLGGAR

ClinVar aggregate classification (germline): Uncertain significance (1 of 4 stars; one submission).

Conditions:
DK1-congenital disorder of glycosylation. Also called: CONGENITAL DISORDER OF GLYCOSYLATION, TYPE Im; DK1-CDG; DOLK-congenital disorder of glycosylation; Carbohydrate deficient glycoprotein syndrome type 1m; CDG Im; DK1 DEFICIENCY. Identifiers: Orphanet 91131, MedGen C1835849, MONDO:0012556, OMIM 610768.

Allele frequency attached by ClinVar (database versions not stated): gnomAD exomes 0.00001.

Submission:

Labcorp Genetics (formerly Invitae), Labcorp
Classification: Uncertain significance for DK1-congenital disorder of glycosylation. Last evaluated: 2024-01-14. Review status: criteria provided, single submitter. Criteria: Invitae Variant Classification Sherloc (09022015). Collection method: clinical testing. Allele origin: germline.
Comment: This sequence change affects codon 426 of the DOLK mRNA. It is a 'silent' change, meaning that it does not change the encoded amino acid sequence of the DOLK protein. This variant is present in population databases (no rsID available, gnomAD 0.01%). This variant has not been reported in the literature in individuals affected with DOLK-related conditions. In summary, the available evidence is currently insufficient to determine the role of this variant in disease. Therefore, it has been classified as a Variant of Uncertain Significance.